The following is an entry in ClinVar:

NM_000260.4(MYO7A):c.496G>T (p.Glu166Ter)

Gene: MYO7A (myosin VIIA; plus strand). Cytogenetic location: 11q13.5.
Variant type: single nucleotide variant.
Coding change: c.496G>T on transcript NM_000260.4 (MANE Select); coding-DNA position 496, G replaced by T.
Protein change: p.Glu166Ter; replaces glutamic acid 166 with a stop codon.
Molecular consequence: nonsense.
Genome position (GRCh38, 1-based): chr11:77,156,685, G>T. VCF-style: chr11-77156685-G-T. GRCh37 (hg19) VCF-style: chr11-76867731-G-T.
Other names: c.496G>T, p.Glu166Ter (NM_001127180.2); c.463G>T, p.Glu155Ter (NM_001369365.1); short protein forms E155*, E166*.
Identifiers: ClinVar variation 2900520 (VCV002900520.3), dbSNP rs1555062485, ClinGen allele CA381931788.

ClinVar aggregate classification (germline): Pathogenic (1 of 4 stars; one submission).

Allele frequency attached by ClinVar (database versions not stated): gnomAD exomes below 0.00001; gnomAD 0.00001.

Submission:

Labcorp Genetics (formerly Invitae), Labcorp
Classification: Pathogenic. Last evaluated: 2024-10-21. Review status: criteria provided, single submitter. Criteria: Invitae Variant Classification Sherloc (09022015). Collection method: clinical testing. Allele origin: germline.
Comment: This sequence change creates a premature translational stop signal (p.Glu166*) in the MYO7A gene. It is expected to result in an absent or disrupted protein product. Loss-of-function variants in MYO7A are known to be pathogenic (PMID: 8900236, 25404053). This variant is present in population databases (no rsID available, gnomAD 0.01%). This premature translational stop signal has been observed in individual(s) with MYO7A-related conditions (PMID: 30358468). For these reasons, this variant has been classified as Pathogenic.

Literature cited by the submitters: PubMed 8900236; PubMed 25404053; PubMed 30358468.